The following is an entry in ClinVar:

NM_000487.6(ARSA):c.224+1G>T

Gene: ARSA (arylsulfatase A; minus strand). Cytogenetic location: 22q13.33.
Variant type: single nucleotide variant.
Coding change: c.224+1G>T on transcript NM_000487.6 (MANE Select); the canonical splice donor site of the intron after coding-DNA position 224, G replaced by T.
Molecular consequence: splice donor variant. On other transcripts: intron variant (2).
Genome position (GRCh38, 1-based): chr22:50,627,555, C>A on the plus strand (G>T on the coding strand, the complement: ARSA is on the minus strand). VCF-style: chr22-50627555-C-A. GRCh37 (hg19) VCF-style: chr22-51065983-C-A.
Other names: c.-34-149G>T (NM_001362782.2, NM_001085428.3); c.224+1G>T (NM_001085427.3, NM_001085426.3, NM_001085425.3).
Identifiers: ClinVar variation 1510484 (VCV001510484.8), dbSNP rs1555901108, ClinGen allele CA412182068.

ClinVar aggregate classification (germline): Likely pathogenic (1 of 4 stars; one submission).

Conditions:
Metachromatic leukodystrophy (MLD). Also called: Cerebral sclerosis diffuse metachromatic form; Arylsulfatase A Deficiency; METACHROMATIC LEUKOENCEPHALOPATHY; SULFATIDE LIPIDOSIS; ARSA DEFICIENCY; CEREBROSIDE SULFATASE DEFICIENCY. Identifiers: Orphanet 512, MedGen C0023522, MONDO:0018868, OMIM 250100.

gnomAD v4.1: 1 of 1,559,836 alleles (0.000064%); highest among the groups gnomAD compares: Non-Finnish European, 0.000087%; no homozygotes.

Submission:

Labcorp Genetics (formerly Invitae), Labcorp
Classification: Likely pathogenic for Metachromatic leukodystrophy. Last evaluated: 2021-05-20. Review status: criteria provided, single submitter. Criteria: Invitae Variant Classification Sherloc (09022015). Collection method: clinical testing. Allele origin: germline.
Comment: In summary, the currently available evidence indicates that the variant is pathogenic, but additional data are needed to prove that conclusively. Therefore, this variant has been classified as Likely Pathogenic. Algorithms developed to predict the effect of sequence changes on RNA splicing suggest that this variant may disrupt the consensus splice site, but this prediction has not been confirmed by published transcriptional studies. This variant has not been reported in the literature in individuals with ARSA-related conditions. This variant is not present in population databases (ExAC no frequency). This sequence change affects a donor splice site in intron 1 of the ARSA gene. It is expected to disrupt RNA splicing. Variants that disrupt the donor or acceptor splice site typically lead to a loss of protein function (PMID: 16199547), and loss-of-function variants in ARSA are known to be pathogenic (PMID: 8962139, 10477432).

Literature cited by the submitters: PubMed 16199547; PubMed 8962139; PubMed 10477432.